The following is an entry in ClinVar:

ClinVar aggregate classification (germline): Likely benign. Review status: criteria provided, multiple submitters, no conflicts (2 of 4 stars). 2 submissions from 2 submitters: Likely benign (2). Last evaluated 2025-03-01.

Submissions (2):

CeGaT Center for Human Genetics Tuebingen
Classification: Likely benign. Last evaluated: 2025-03-01. Review status: criteria provided, single submitter. Criteria: CeGaT Center For Human Genetics Tuebingen Variant Classification Criteria Version 2. Collection method: clinical testing. Allele origin: germline. Affected: yes. Observed: 1 variant allele.
Comment: VPS13D: BP4, BP7

Labcorp Genetics (formerly Invitae), Labcorp
Classification: Likely benign. Last evaluated: 2024-05-07. Review status: criteria provided, single submitter. Criteria: Invitae Variant Classification Sherloc (09022015). Collection method: clinical testing. Allele origin: germline.

NM_015378.4(VPS13D):c.2310C>G (p.Thr770=)

Gene: VPS13D (vacuolar protein sorting 13 homolog D; plus strand). Cytogenetic location: 1p36.22.
Variant type: single nucleotide variant.
Coding change: c.2310C>G on transcript NM_015378.4 (MANE Select); coding-DNA position 2310, C replaced by G.
Protein change: p.Thr770=; no amino-acid change (threonine 770 retained).
Molecular consequence: synonymous variant.
Genome position (GRCh38, 1-based): chr1:12,275,898, C>G. VCF-style: chr1-12275898-C-G. GRCh37 (hg19) VCF-style: chr1-12335955-C-G.
Other names: c.2310C>G, p.Thr770= (NM_018156.4).
Identifiers: ClinVar variation 3668124 (VCV003668124.9).